The following is an entry in ClinVar:

ClinVar aggregate classification (germline): Uncertain significance. Review status: criteria provided, multiple submitters, no conflicts (2 of 4 stars). 2 submissions from 2 submitters: Uncertain significance (2). Last evaluated 2026-06-01.

Conditions:
Fabry disease. Also called: Fabry's disease; ALPHA-GALACTOSIDASE A DEFICIENCY; ANDERSON-FABRY DISEASE; CERAMIDE TRIHEXOSIDASE DEFICIENCY; GLA DEFICIENCY; HEREDITARY DYSTOPIC LIPIDOSIS. Identifiers: Orphanet 324, MedGen C0002986, MONDO:0010526, OMIM 301500, HP:0001071. Disease mechanism: Fabry disease is due to inactivating mutations in the X-linked GLA gene resulting in deficiency of the enzyme Alpha Galactosidase-A., loss of function.

Submissions (2):

Genetics Laboratory, Great Ormond Street Hospital NHS Foundation Trust, North Thames Genomic Laboratory Hub
Classification: Uncertain significance for Fabry disease. Last evaluated: 2026-06-01. Review status: criteria provided, single submitter. Criteria: ACGS Best Practice Guidelines for Variant Classification in Rare Disease 2024 v1.2. Collection method: clinical testing. Allele origin: germline. Affected: yes.
Comment: PS4_supporting, PM2_moderate, PP3_supporting

3billion
Classification: Uncertain significance for Fabry disease. Last evaluated: 2023-02-23. Review status: criteria provided, single submitter. Criteria: ACMG Guidelines, 2015. Collection method: clinical testing. Allele origin: unknown. Affected: yes.
Comment: The variant is not observed in the gnomAD v2.1.1 dataset. Missense changes are a common disease-causing mechanism. In silico tool predictions suggest damaging effect of the variant on gene or gene product (REVEL: 0.85; 3Cnet: 0.98). Different missense changes at the same codon (p.Ala350Pro, p.Ala350Thr) have been reported to be associated with GLA related disorder (PMID: 15776423). However, the evidence of pathogenicity is insufficient at this time. Therefore, this variant is classified as VUS according to the recommendation of ACMG/AMP guideline.

Literature cited by the submitters: PubMed 15776423 (cited by 3billion).

NM_000169.3(GLA):c.1049C>T (p.Ala350Val)

Genes: GLA (galactosidase alpha; minus strand), RPL36A-HNRNPH2 (RPL36A-HNRNPH2 readthrough; plus strand). Cytogenetic location: Xq22.1.
Variant type: single nucleotide variant.
Coding change: c.1049C>T on transcript NM_000169.3 (MANE Select); coding-DNA position 1049, C replaced by T.
Protein change: p.Ala350Val; replaces alanine 350 with valine.
Molecular consequence: missense variant. On other transcripts: non-coding transcript variant (3), intron variant (2).
Genome position (GRCh38, 1-based): chrX:101,398,050, G>A on the plus strand (C>T on the coding strand, the complement: GLA is on the minus strand). VCF-style: chrX-101398050-G-A. GRCh37 (hg19) VCF-style: chrX-100653038-G-A.
Other names: c.1172C>T, p.Ala391Val (NM_001406747.1); c.300+2593G>A (NM_001199973.2); c.177+6228G>A (NM_001199974.2); short protein forms A350V, A391V.
Identifiers: ClinVar variation 2444386 (VCV002444386.2), dbSNP rs2520853908, ClinGen allele CA413921058.